The following is an entry in ClinVar:

NM_002485.5(NBN):c.278C>A (p.Ser93Ter)

Gene: NBN (nibrin; minus strand). Cytogenetic location: 8q21.3.
Variant type: single nucleotide variant.
Coding change: c.278C>A on transcript NM_002485.5 (MANE Select); coding-DNA position 278, C replaced by A.
Protein change: p.Ser93Ter; replaces serine 93 with a stop codon.
Molecular consequence: nonsense.
Genome position (GRCh38, 1-based): chr8:89,981,417, G>T on the plus strand (C>A on the coding strand, the complement: NBN is on the minus strand). VCF-style: chr8-89981417-G-T. GRCh37 (hg19) VCF-style: chr8-90993645-G-T.
Other names: c.32C>A, p.Ser11Ter (NM_001024688.3); short protein forms S11*, S93*.
Identifiers: ClinVar variation 1387838 (VCV001387838.7), dbSNP rs12721593, ClinGen allele CA371662420.

ClinVar aggregate classification (germline): Pathogenic/Likely pathogenic. Review status: criteria provided, multiple submitters, no conflicts (2 of 4 stars). 2 submissions from 2 submitters: Pathogenic (1); Likely pathogenic (1). Last evaluated 2023-09-19.

Conditions:
Aplastic anemia. Identifiers: Orphanet 182040, Orphanet 88, MedGen C0002874, MONDO:0015909, OMIM 609135, HP:0001915.
Microcephaly, normal intelligence and immunodeficiency (NBS). Also called: SEEMANOVA SYNDROME II; IMMUNODEFICIENCY, MICROCEPHALY, AND CHROMOSOMAL INSTABILITY; Immunodeficiency, microcephaly with normal intelligence; BERLIN BREAKAGE SYNDROME; Nijmegen breakage syndrome; Microcephaly with normal intelligence immunodeficiency and lymphoreticular malignancies. Identifiers: Orphanet 647, MedGen C0398791, MONDO:0009623, OMIM 251260.

Submissions (2):

Baylor Genetics
Classification: Likely pathogenic for Aplastic anemia. Last evaluated: 2023-09-19. Review status: criteria provided, single submitter. Criteria: ACMG Guidelines, 2015. Collection method: clinical testing. Allele origin: unknown.

Labcorp Genetics (formerly Invitae), Labcorp
Classification: Pathogenic for Microcephaly, normal intelligence and immunodeficiency. Last evaluated: 2020-11-21. Review status: criteria provided, single submitter. Criteria: Invitae Variant Classification Sherloc (09022015). Collection method: clinical testing. Allele origin: germline.
Comment: For these reasons, this variant has been classified as Pathogenic. Algorithms developed to predict the effect of sequence changes on RNA splicing suggest that this variant may create or strengthen a splice site, but this prediction has not been confirmed by published transcriptional studies. This variant has not been reported in the literature in individuals with NBN-related conditions. This variant is not present in population databases (ExAC no frequency). This sequence change creates a premature translational stop signal (p.Ser93*) in the NBN gene. It is expected to result in an absent or disrupted protein product. Loss-of-function variants in NBN are known to be pathogenic (PMID: 9590180, 16415040).

Literature cited by the submitters: PubMed 9590180 (cited by Labcorp Genetics (formerly Invitae), Labcorp); PubMed 16415040 (cited by Labcorp Genetics (formerly Invitae), Labcorp).